The following is an entry in ClinVar:

NM_001257096.2(PAX1):c.1304G>C (p.Ser435Thr)

Gene: PAX1 (paired box 1; plus strand). Cytogenetic location: 20p11.22.
Variant type: single nucleotide variant.
Coding change: c.1304G>C on transcript NM_001257096.2 (MANE Select); coding-DNA position 1304, G replaced by C.
Protein change: p.Ser435Thr; replaces serine 435 with threonine.
Molecular consequence: missense variant.
Genome position (GRCh38, 1-based): chr20:21,714,492, G>C. VCF-style: chr20-21714492-G-C. GRCh37 (hg19) VCF-style: chr20-21695130-G-C.
Other names: c.1294G>C, p.Ala432Pro (NM_006192.5); short protein forms A432P, S435T.
Identifiers: ClinVar variation 1995688 (VCV001995688.4), dbSNP rs1985297934, ClinGen allele CA408499784.

ClinVar aggregate classification (germline): Uncertain significance (1 of 4 stars; one submission).

Submission:

Labcorp Genetics (formerly Invitae), Labcorp
Classification: Uncertain significance. Last evaluated: 2022-05-25. Review status: criteria provided, single submitter. Criteria: Invitae Variant Classification Sherloc (09022015). Collection method: clinical testing. Allele origin: germline.
Comment: In summary, the available evidence is currently insufficient to determine the role of this variant in disease. Therefore, it has been classified as a Variant of Uncertain Significance. Algorithms developed to predict the effect of missense changes on protein structure and function (SIFT, PolyPhen-2, Align-GVGD) all suggest that this variant is likely to be tolerated. This variant has not been reported in the literature in individuals affected with PAX1-related conditions. This variant is not present in population databases (gnomAD no frequency). This sequence change replaces alanine, which is neutral and non-polar, with proline, which is neutral and non-polar, at codon 432 of the PAX1 protein (p.Ala432Pro).